The following is an entry in ClinVar:

NM_182931.3(KMT2E):c.736C>T (p.Arg246Cys)

Gene: KMT2E (lysine methyltransferase 2E (inactive); plus strand). Cytogenetic location: 7q22.3.
Variant type: single nucleotide variant.
Coding change: c.736C>T on transcript NM_182931.3 (MANE Select); coding-DNA position 736, C replaced by T.
Protein change: p.Arg246Cys; replaces arginine 246 with cysteine.
Molecular consequence: missense variant.
Genome position (GRCh38, 1-based): chr7:105,076,049, C>T. VCF-style: chr7-105076049-C-T. GRCh37 (hg19) VCF-style: chr7-104716496-C-T.
Other names: c.736C>T, p.Arg246Cys (NM_001410908.1, NM_018682.4); short protein forms R246C.
Identifiers: ClinVar variation 4838347 (VCV004838347.1).

ClinVar aggregate classification (germline): Uncertain significance (1 of 4 stars; one submission).

Conditions:
Inborn genetic diseases. Identifiers: MedGen C0950123, MeSH D030342.

gnomAD v4.1: 4 of 1,596,910 alleles (0.00025%); highest among the groups gnomAD compares: East Asian, 0.0045%; no homozygotes.

Submission:

Ambry Genetics
Classification: Uncertain significance for Inborn genetic diseases. Last evaluated: 2025-12-31. Review status: criteria provided, single submitter. Criteria: Ambry Variant Classification Scheme 2023. Collection method: clinical testing. Allele origin: germline.
Comment: The c.736C>T (p.R246C) alteration is located in exon 9 (coding exon 7) of the KMT2E gene. This alteration results from a C to T substitution at nucleotide position 736, causing the arginine (R) at amino acid position 246 to be replaced by a cysteine (C). Based on data from gnomAD, the T allele has an overall frequency of 0.003% (1/31376) total alleles studied. The highest observed frequency was 0.064% (1/1560) of East Asian alleles. Based on insufficient or conflicting evidence, the clinical significance of this alteration remains unclear.